The following is an entry in ClinVar:

ClinVar aggregate classification (germline): Benign/Likely benign. Review status: criteria provided, multiple submitters, no conflicts (2 of 4 stars). 4 submissions from 4 submitters: Benign (1); Likely benign (3). Last evaluated 2025-08-11.

Conditions:
Hereditary cancer-predisposing syndrome. Also called: Tumor predisposition; Hereditary neoplastic syndrome; Neoplastic Syndromes, Hereditary; Hereditary Cancer Syndrome. Identifiers: Orphanet 140162, MedGen C0027672, MeSH D009386, MONDO:0015356.
Familial adenomatous polyposis 1 (FAP1). Also called: POLYPOSIS, ADENOMATOUS INTESTINAL; FAMILIAL ADENOMATOUS POLYPOSIS 1, ATTENUATED. Identifiers: MedGen C2713442, MONDO:0021056, OMIM 175100. Disease mechanism: loss of function.

Allele frequency attached by ClinVar (database versions not stated): gnomAD 0.00001.
gnomAD v4.1: 1 of 1,614,040 alleles (0.000062%); highest among the groups gnomAD compares: African/African-American, 0.0013%; no homozygotes.

Submissions (4):

Labcorp Genetics (formerly Invitae), Labcorp
Classification: Likely benign for Familial adenomatous polyposis 1. Last evaluated: 2025-08-11. Review status: criteria provided, single submitter. Criteria: Invitae Variant Classification Sherloc (09022015). Collection method: clinical testing. Allele origin: germline.

Myriad Genetics, Inc.
Classification: Benign for Familial adenomatous polyposis 1. Last evaluated: 2024-03-12. Review status: criteria provided, single submitter. Criteria: Myriad Autosomal Dominant, Autosomal Recessive and X-Linked Classification Criteria (2023). Collection method: clinical testing. Allele origin: unknown.
Comment: This variant is considered benign. This variant is a silent/synonymous amino acid change and it is not expected to impact splicing.

Ambry Genetics
Classification: Likely benign for Hereditary cancer-predisposing syndrome. Last evaluated: 2022-12-18. Review status: criteria provided, single submitter. Criteria: Ambry Variant Classification Scheme 2023. Collection method: clinical testing. Allele origin: germline.

GeneDx
Classification: Likely benign. Last evaluated: 2020-11-24. Review status: criteria provided, single submitter. Criteria: GeneDx Variant Classification Process June 2021. Collection method: clinical testing. Allele origin: germline. Affected: yes.

NM_000038.6(APC):c.2454C>T (p.Asn818=)

Gene: APC (APC regulator of Wnt signaling pathway; plus strand). Cytogenetic location: 5q22.2.
Variant type: single nucleotide variant.
Coding change: c.2454C>T on transcript NM_000038.6 (MANE Select); coding-DNA position 2454, C replaced by T.
Protein change: p.Asn818=; no amino-acid change (asparagine 818 retained).
Molecular consequence: synonymous variant.
Genome position (GRCh38, 1-based): chr5:112,838,048, C>T. VCF-style: chr5-112838048-C-T. GRCh37 (hg19) VCF-style: chr5-112173745-C-T.
Other names: c.2454C>T, p.Asn818= (NM_001127510.3, NM_001354895.2); c.2400C>T, p.Asn800= (NM_001127511.3); c.2508C>T, p.Asn836= (NM_001354896.2); c.2484C>T, p.Asn828= (NM_001354897.2); c.2379C>T, p.Asn793= (NM_001354898.2); c.2370C>T, p.Asn790= (NM_001354899.2); c.2331C>T, p.Asn777= (NM_001354900.2); c.2277C>T, p.Asn759= (NM_001354901.2); and 5 more.
Identifiers: ClinVar variation 518080 (VCV000518080.15), dbSNP rs1554084178, ClinGen allele CA445963501.